The following is an entry in ClinVar:

ClinVar aggregate classification (germline): Likely pathogenic (1 of 4 stars; one submission).

Submission:

Labcorp Genetics (formerly Invitae), Labcorp
Classification: Likely pathogenic. Last evaluated: 2025-04-17. Review status: criteria provided, single submitter. Criteria: Invitae Variant Classification Sherloc (09022015). Collection method: clinical testing. Allele origin: germline.
Comment: This sequence change affects a donor splice site in intron 17 of the CNGB1 gene. It is expected to disrupt RNA splicing. Variants that disrupt the donor or acceptor splice site typically lead to a loss of protein function (PMID: 16199547), and loss-of-function variants in CNGB1 are known to be pathogenic (PMID: 15557452, 24043777). This variant is not present in population databases (gnomAD no frequency). This variant has not been reported in the literature in individuals affected with CNGB1-related conditions. ClinVar contains an entry for this variant (Variation ID: 3662614). Algorithms developed to predict the effect of sequence changes on RNA splicing suggest that this variant may disrupt the consensus splice site. In summary, the currently available evidence indicates that the variant is pathogenic, but additional data are needed to prove that conclusively. Therefore, this variant has been classified as Likely Pathogenic.

Literature cited by the submitters: PubMed 16199547; PubMed 15557452; PubMed 24043777.

NM_001297.5(CNGB1):c.1535+1G>T

Gene: CNGB1 (cyclic nucleotide gated channel subunit beta 1; minus strand). Cytogenetic location: 16q21.
Variant type: single nucleotide variant.
Coding change: c.1535+1G>T on transcript NM_001297.5 (MANE Select); the canonical splice donor site of the intron after coding-DNA position 1535, G replaced by T.
Molecular consequence: splice donor variant.
Genome position (GRCh38, 1-based): chr16:57,931,715, C>A on the plus strand (G>T on the coding strand, the complement: CNGB1 is on the minus strand). VCF-style: chr16-57931715-C-A. GRCh37 (hg19) VCF-style: chr16-57965619-C-A.
Other names: c.1517+1G>T (NM_001286130.2).
Identifiers: ClinVar variation 3662614 (VCV003662614.2).